The following is an entry in ClinVar:

ClinVar aggregate classification (germline): Uncertain significance (1 of 4 stars; one submission).

Conditions:
Mitochondrial complex V (ATP synthase) deficiency, nuclear type 2. Also called: ENCEPHALOCARDIOMYOPATHY, MITOCHONDRIAL, NEONATAL, DUE TO ATP SYNTHASE DEFICIENCY; MITOCHONDRIAL COMPLEX V (ATP SYNTHASE) DEFICIENCY, TMEM70 TYPE; Nuclear-Encoded ATPase Deficiency, TMEM70-Related. Identifiers: Orphanet 1194, MedGen C3279699, MONDO:0013546, OMIM 614052.

gnomAD v4.1: 1 of 1,614,044 alleles (0.000062%); highest among the groups gnomAD compares: Non-Finnish European, 0.000085%; no homozygotes.

Submission:

Labcorp Genetics (formerly Invitae), Labcorp
Classification: Uncertain significance for Mitochondrial complex V (ATP synthase) deficiency, nuclear type 2. Last evaluated: 2023-10-04. Review status: criteria provided, single submitter. Criteria: Invitae Variant Classification Sherloc (09022015). Collection method: clinical testing. Allele origin: germline.
Comment: This sequence change replaces threonine, which is neutral and polar, with arginine, which is basic and polar, at codon 191 of the TMEM70 protein (p.Thr191Arg). This variant is not present in population databases (gnomAD no frequency). This variant has not been reported in the literature in individuals affected with TMEM70-related conditions. ClinVar contains an entry for this variant (Variation ID: 1903726). Advanced modeling of protein sequence and biophysical properties (such as structural, functional, and spatial information, amino acid conservation, physicochemical variation, residue mobility, and thermodynamic stability) performed at Invitae indicates that this missense variant is not expected to disrupt TMEM70 protein function. In summary, the available evidence is currently insufficient to determine the role of this variant in disease. Therefore, it has been classified as a Variant of Uncertain Significance.

NM_017866.6(TMEM70):c.572C>G (p.Thr191Arg)

Gene: TMEM70 (transmembrane protein 70; plus strand). Cytogenetic location: 8q21.11.
Variant type: single nucleotide variant.
Coding change: c.572C>G on transcript NM_017866.6 (MANE Select); coding-DNA position 572, C replaced by G.
Protein change: p.Thr191Arg; replaces threonine 191 with arginine.
Molecular consequence: missense variant. On other transcripts: 3 prime UTR variant (1), non-coding transcript variant (1).
Genome position (GRCh38, 1-based): chr8:73,981,410, C>G. VCF-style: chr8-73981410-C-G. GRCh37 (hg19) VCF-style: chr8-74893645-C-G.
Other names: c.*262C>G (NM_001040613.3); short protein forms T191R.
Identifiers: ClinVar variation 1903726 (VCV001903726.5), dbSNP rs771232866, ClinGen allele CA371490277.